The following is an entry in ClinVar:

NM_138694.4(PKHD1):c.2601del (p.Asp867fs)

Gene: PKHD1 (PKHD1 ciliary IPT domain containing fibrocystin/polyductin; minus strand). Cytogenetic location: 6p12.2.
Variant type: Deletion.
Coding change: c.2601del on transcript NM_138694.4 (MANE Select); coding-DNA position 2601, one base deleted (T; older notation c.2601delT).
Protein change: p.Asp867fs; shifts the reading frame from aspartic acid 867.
Molecular consequence: frameshift variant.
Genome position (GRCh38, 1-based): chr6:52,045,080, A deleted on the plus strand (T on the coding strand, the reverse complement: PKHD1 is on the minus strand). VCF-style (leftmost placement, unchanged base first): chr6-52045079-CA-C. GRCh37 (hg19) VCF-style: chr6-51909877-CA-C.
Other names: c.2601del, p.Asp867fs (NM_170724.3); short protein forms D867fs.
Identifiers: ClinVar variation 2704909 (VCV002704909.3), dbSNP rs2533097999, ClinGen allele CA2697553482.

ClinVar aggregate classification (germline): Pathogenic (1 of 4 stars; one submission).

Conditions:
Autosomal recessive polycystic kidney disease (ARPKD). Also called: AR polycystic kidney disease. Identifiers: Orphanet 731, Orphanet 8378, MedGen C0085548, MeSH D017044, MONDO:0009889.

Submission:

Labcorp Genetics (formerly Invitae), Labcorp
Classification: Pathogenic for Autosomal recessive polycystic kidney disease. Last evaluated: 2023-12-22. Review status: criteria provided, single submitter. Criteria: Invitae Variant Classification Sherloc (09022015). Collection method: clinical testing. Allele origin: germline.
Comment: This sequence change creates a premature translational stop signal (p.Asp867Glufs*7) in the PKHD1 gene. It is expected to result in an absent or disrupted protein product. Loss-of-function variants in PKHD1 are known to be pathogenic (PMID: 19940839). This variant is not present in population databases (gnomAD no frequency). This variant has not been reported in the literature in individuals affected with PKHD1-related conditions. Algorithms developed to predict the effect of sequence changes on RNA splicing suggest that this variant may disrupt the consensus splice site. For these reasons, this variant has been classified as Pathogenic.

Literature cited by the submitters: PubMed 19940839.